The following is an entry in ClinVar:

NM_022436.3(ABCG5):c.1018A>C (p.Lys340Gln)

Genes: ABCG5 (ATP binding cassette subfamily G member 5; minus strand), DYNC2LI1 (dynein cytoplasmic 2 light intermediate chain 1; plus strand). Cytogenetic location: 2p21.
Variant type: single nucleotide variant.
Coding change: c.1018A>C on transcript NM_022436.3 (MANE Select); coding-DNA position 1018, A replaced by C.
Protein change: p.Lys340Gln; replaces lysine 340 with glutamine.
Molecular consequence: missense variant. On other transcripts: intron variant (2).
Genome position (GRCh38, 1-based): chr2:43,824,319, T>G on the plus strand (A>C on the coding strand, the complement: ABCG5 is on the minus strand). VCF-style: chr2-43824319-T-G. GRCh37 (hg19) VCF-style: chr2-44051458-T-G.
Other names: c.*16-3067T>G (NM_001348913.2, NM_001348912.2); short protein forms K340Q.
Identifiers: ClinVar variation 3992551 (VCV003992551.1).

ClinVar aggregate classification (germline): Uncertain significance (1 of 4 stars; one submission).

Conditions:
Cardiovascular phenotype. Identifiers: MedGen CN230736.

Submission:

Ambry Genetics
Classification: Uncertain significance for Cardiovascular phenotype. Last evaluated: 2025-04-13. Review status: criteria provided, single submitter. Criteria: Ambry Variant Classification Scheme 2023. Collection method: clinical testing. Allele origin: germline.
Comment: The p.K340Q variant (also known as c.1018A>C), located in coding exon 8 of the ABCG5 gene, results from an A to C substitution at nucleotide position 1018. The lysine at codon 340 is replaced by glutamine, an amino acid with similar properties. This amino acid position is conserved. In addition, this alteration is predicted to be tolerated by in silico analysis. Based on the available evidence, the clinical significance of this variant remains unclear.